The following is an entry in ClinVar:

NM_001253697.2(ERBIN):c.3295A>G (p.Ile1099Val)

Gene: ERBIN (erbb2 interacting protein; plus strand). Cytogenetic location: 5q12.3.
Variant type: single nucleotide variant.
Coding change: c.3295A>G on transcript NM_001253697.2 (MANE Select); coding-DNA position 3295, A replaced by G.
Protein change: p.Ile1099Val; replaces isoleucine 1099 with valine.
Molecular consequence: missense variant.
Genome position (GRCh38, 1-based): chr5:66,054,613, A>G. VCF-style: chr5-66054613-A-G. GRCh37 (hg19) VCF-style: chr5-65350441-A-G.
Other names: c.3295A>G, p.Ile1099Val (NM_001006600.3, NM_001253698.2, NM_001253699.2 and 1 more transcripts); c.3283A>G, p.Ile1095Val (NM_001253701.2); short protein forms I1099V, I1095V.
Identifiers: ClinVar variation 1411102 (VCV001411102.6), dbSNP rs201995478, ClinGen allele CA3286633.

ClinVar aggregate classification (germline): Uncertain significance (1 of 4 stars; one submission).

Allele frequency attached by ClinVar (database versions not stated): TOPMed 0.00003; gnomAD 0.00004 and 0.00009; gnomAD exomes 0.00010 and 0.00014; ExAC 0.00015; 1000 Genomes Project 30x 0.00047; 1000 Genomes Project 0.00060.
gnomAD v4.1: 206 of 1,614,154 alleles (0.013%); highest among the groups gnomAD compares: East Asian, 0.45%; 1 homozygote.

Submission:

Labcorp Genetics (formerly Invitae), Labcorp
Classification: Uncertain significance. Last evaluated: 2025-02-10. Review status: criteria provided, single submitter. Criteria: Invitae Variant Classification Sherloc (09022015). Collection method: clinical testing. Allele origin: germline.
Comment: This sequence change replaces isoleucine, which is neutral and non-polar, with valine, which is neutral and non-polar, at codon 1099 of the ERBIN protein (p.Ile1099Val). This variant is present in population databases (rs201995478, gnomAD 0.2%), and has an allele count higher than expected for a pathogenic variant. This variant has not been reported in the literature in individuals affected with ERBIN-related conditions. ClinVar contains an entry for this variant (Variation ID: 1411102). An algorithm developed to predict the effect of missense changes on protein structure and function outputs the following: PolyPhen-2: "Benign". The valine amino acid residue is found in multiple mammalian species, which suggests that this missense change does not adversely affect protein function. In summary, the available evidence is currently insufficient to determine the role of this variant in disease. Therefore, it has been classified as a Variant of Uncertain Significance.